The following is an entry in ClinVar:

NM_001235.5(SERPINH1):c.712C>T (p.His238Tyr)

Gene: SERPINH1 (serpin family H member 1; plus strand). Cytogenetic location: 11q13.5.
Variant type: single nucleotide variant.
Coding change: c.712C>T on transcript NM_001235.5 (MANE Select); coding-DNA position 712, C replaced by T.
Protein change: p.His238Tyr; replaces histidine 238 with tyrosine.
Molecular consequence: missense variant.
Genome position (GRCh38, 1-based): chr11:75,568,820, C>T. VCF-style: chr11-75568820-C-T. GRCh37 (hg19) VCF-style: chr11-75279865-C-T.
Other names: c.712C>T, p.His238Tyr (NM_001207014.3); short protein forms H238Y.
Identifiers: ClinVar variation 1413202 (VCV001413202.6), dbSNP rs2135554394, ClinGen allele CA381891358.

ClinVar aggregate classification (germline): Uncertain significance (1 of 4 stars; one submission).

Submission:

Labcorp Genetics (formerly Invitae), Labcorp
Classification: Uncertain significance. Last evaluated: 2022-03-22. Review status: criteria provided, single submitter. Criteria: Invitae Variant Classification Sherloc (09022015). Collection method: clinical testing. Allele origin: germline.
Comment: Algorithms developed to predict the effect of sequence changes on RNA splicing suggest that this variant may create or strengthen a splice site. This variant is not present in population databases (gnomAD no frequency). This variant has not been reported in the literature in individuals affected with SERPINH1-related conditions. In summary, the available evidence is currently insufficient to determine the role of this variant in disease. Therefore, it has been classified as a Variant of Uncertain Significance. Advanced modeling of protein sequence and biophysical properties (such as structural, functional, and spatial information, amino acid conservation, physicochemical variation, residue mobility, and thermodynamic stability) performed at Invitae indicates that this missense variant is not expected to disrupt SERPINH1 protein function. This sequence change replaces histidine, which is basic and polar, with tyrosine, which is neutral and polar, at codon 238 of the SERPINH1 protein (p.His238Tyr).